The following is an entry in ClinVar:

ClinVar aggregate classification (germline): Likely pathogenic (1 of 4 stars; one submission).

Conditions:
Marfan syndrome (MFS). Also called: MARFAN SYNDROME, TYPE I; Marfan syndrome type 1; Marfan's syndrome; Marfan syndrome, classic; FBN1-Related Marfan Syndrome. Identifiers: Orphanet 284963, Orphanet 558, MedGen C0024796, MONDO:0007947, OMIM 154700.
Familial thoracic aortic aneurysm and aortic dissection (TAAD). Also called: Thoracic aortic aneurysms and dissections. Identifiers: Orphanet 91387, MedGen C4707243, MONDO:0019625.

Submission:

Labcorp Genetics (formerly Invitae), Labcorp
Classification: Likely pathogenic for Marfan syndrome; Familial thoracic aortic aneurysm and aortic dissection. Last evaluated: 2025-02-19. Review status: criteria provided, single submitter. Criteria: Invitae Variant Classification Sherloc (09022015). Collection method: clinical testing. Allele origin: germline.
Comment: This sequence change replaces glutamic acid, which is acidic and polar, with lysine, which is basic and polar, at codon 1200 of the FBN1 protein (p.Glu1200Lys). This variant is not present in population databases (gnomAD no frequency). This missense change has been observed in individual(s) with Marfan syndrome (internal data). ClinVar contains an entry for this variant (Variation ID: 2921706). Invitae Evidence Modeling of protein sequence and biophysical properties (such as structural, functional, and spatial information, amino acid conservation, physicochemical variation, residue mobility, and thermodynamic stability) indicates that this missense variant is expected to disrupt FBN1 protein function with a positive predictive value of 95%. This variant disrupts the p.Glu1200 amino acid residue in FBN1. Other variant(s) that disrupt this residue have been determined to be pathogenic (PMID: 10090884). This suggests that this residue is clinically significant, and that variants that disrupt this residue are likely to be disease-causing. In summary, the currently available evidence indicates that the variant is pathogenic, but additional data are needed to prove that conclusively. Therefore, this variant has been classified as Likely Pathogenic.

Literature cited by the submitters: PubMed 10090884.

NM_000138.5(FBN1):c.3598G>A (p.Glu1200Lys)

Gene: FBN1 (fibrillin 1; minus strand). Cytogenetic location: 15q21.1.
Variant type: single nucleotide variant.
Coding change: c.3598G>A on transcript NM_000138.5 (MANE Select); coding-DNA position 3598, G replaced by A.
Protein change: p.Glu1200Lys; replaces glutamic acid 1200 with lysine.
Molecular consequence: missense variant.
Genome position (GRCh38, 1-based): chr15:48,485,488, C>T on the plus strand (G>A on the coding strand, the complement: FBN1 is on the minus strand). VCF-style: chr15-48485488-C-T. GRCh37 (hg19) VCF-style: chr15-48777685-C-T.
Other names: c.3598G>A, p.Glu1200Lys (NM_001406716.1); short protein forms E1200K.
Identifiers: ClinVar variation 2921706 (VCV002921706.3), dbSNP rs2505545212, ClinGen allele CA392324717.
Genomic context (GRCh38, chr15:48,485,488, plus strand): 5'-CATAGCTGCCTTCAGAGTTTGTGCAGAAGGTTTCACAACCACCATTCATTATGCTGCATT[C>T]ATCAATGTCTAAAAGAAATGAAAATAATATCACCTTCTGATATGGTTTGGATGTCTGTCC-3'
Protein context (NP_000129.3, residues 1190-1210): PDRLFCVDID[Glu1200Lys]CSIMNGGCET